The following is an entry in ClinVar:

NM_181882.3(PRX):c.2851G>T (p.Ala951Ser)

Gene: PRX (periaxin; minus strand). Cytogenetic location: 19q13.2.
Variant type: single nucleotide variant.
Coding change: c.2851G>T on transcript NM_181882.3 (MANE Select); coding-DNA position 2851, G replaced by T.
Protein change: p.Ala951Ser; replaces alanine 951 with serine.
Molecular consequence: missense variant. On other transcripts: 3 prime UTR variant (1).
Genome position (GRCh38, 1-based): chr19:40,395,501, C>A on the plus strand (G>T on the coding strand, the complement: PRX is on the minus strand). VCF-style: chr19-40395501-C-A. GRCh37 (hg19) VCF-style: chr19-40901408-C-A.
Other names: c.2851G>T (NM_181882.2); c.*3056G>T (NM_020956.2); short protein forms A951S.
Identifiers: ClinVar variation 1464139 (VCV001464139.8), dbSNP rs748622767, ClinGen allele CA9443965.

ClinVar aggregate classification (germline): Uncertain significance. Review status: criteria provided, multiple submitters, no conflicts (2 of 4 stars). 2 submissions from 2 submitters: Uncertain significance (2). Last evaluated 2025-03-19.

Conditions:
PRX-related disorder. Also called: PRX-related condition; PRX-Related Disorders.
Charcot-Marie-Tooth disease type 4. Also called: Charcot-Marie-Tooth, Type 4; Charcot-Marie-Tooth disease, type IV. Identifiers: Orphanet 64749, MedGen C4082197, MONDO:0018995.

Allele frequency attached by ClinVar (database versions not stated): gnomAD 0.00001; ExAC 0.00002; gnomAD exomes 0.00002; TOPMed 0.00002.
gnomAD v4.1: 25 of 1,614,084 alleles (0.0015%); highest among the groups gnomAD compares: Middle Eastern, 0.016%; no homozygotes.

Submissions (2):

PreventionGenetics, part of Exact Sciences
Classification: Uncertain significance for PRX-related condition. Last evaluated: 2025-03-19. Review status: criteria provided, single submitter. Criteria: ACMG Guidelines, 2015. Collection method: clinical testing. Allele origin: germline.
Comment: The PRX c.2851G>T variant is predicted to result in the amino acid substitution p.Ala951Ser. To our knowledge, this variant has not been reported in the literature. This variant is reported in 0.0035% of alleles in individuals of European (non-Finnish) descent in gnomAD. At this time, the clinical significance of this variant is uncertain due to the absence of conclusive functional and genetic evidence.

Labcorp Genetics (formerly Invitae), Labcorp
Classification: Uncertain significance for Charcot-Marie-Tooth disease type 4. Last evaluated: 2023-05-15. Review status: criteria provided, single submitter. Criteria: Invitae Variant Classification Sherloc (09022015). Collection method: clinical testing. Allele origin: germline.
Comment: This sequence change replaces alanine, which is neutral and non-polar, with serine, which is neutral and polar, at codon 951 of the PRX protein (p.Ala951Ser). This variant is present in population databases (rs748622767, gnomAD 0.004%). This variant has not been reported in the literature in individuals affected with PRX-related conditions. ClinVar contains an entry for this variant (Variation ID: 1464139). Advanced modeling of protein sequence and biophysical properties (such as structural, functional, and spatial information, amino acid conservation, physicochemical variation, residue mobility, and thermodynamic stability) performed at Invitae indicates that this missense variant is not expected to disrupt PRX protein function. In summary, the available evidence is currently insufficient to determine the role of this variant in disease. Therefore, it has been classified as a Variant of Uncertain Significance.